The following is an entry in ClinVar:

ClinVar aggregate classification (germline): Uncertain significance (1 of 4 stars; one submission).

Conditions:
Microcephaly, normal intelligence and immunodeficiency (NBS). Also called: Nijmegen breakage syndrome; Microcephaly with normal intelligence immunodeficiency and lymphoreticular malignancies; Nonsyndromal microcephaly autosomal recessive with normal intelligence; Seemanova syndrome 2; SEEMANOVA SYNDROME II; IMMUNODEFICIENCY, MICROCEPHALY, AND CHROMOSOMAL INSTABILITY. Identifiers: Orphanet 647, MedGen C0398791, MONDO:0009623, OMIM 251260.

Submission:

Labcorp Genetics (formerly Invitae), Labcorp
Classification: Uncertain significance for Microcephaly, normal intelligence and immunodeficiency. Last evaluated: 2021-12-05. Review status: criteria provided, single submitter. Criteria: Invitae Variant Classification Sherloc (09022015). Collection method: clinical testing. Allele origin: germline.
Comment: This sequence change replaces alanine, which is neutral and non-polar, with aspartic acid, which is acidic and polar, at codon 713 of the NBN protein (p.Ala713Asp). This variant is not present in population databases (gnomAD no frequency). This variant has not been reported in the literature in individuals affected with NBN-related conditions. ClinVar contains an entry for this variant (Variation ID: 1056159). Algorithms developed to predict the effect of missense changes on protein structure and function are either unavailable or do not agree on the potential impact of this missense change (SIFT: "Tolerated"; PolyPhen-2: "Possibly Damaging"; Align-GVGD: "Class C0"). In summary, the available evidence is currently insufficient to determine the role of this variant in disease. Therefore, it has been classified as a Variant of Uncertain Significance.

NM_002485.5(NBN):c.2138C>A (p.Ala713Asp)

Gene: NBN (nibrin; minus strand). Cytogenetic location: 8q21.3.
Variant type: single nucleotide variant.
Coding change: c.2138C>A on transcript NM_002485.5 (MANE Select); coding-DNA position 2138, C replaced by A.
Protein change: p.Ala713Asp; replaces alanine 713 with aspartic acid.
Molecular consequence: missense variant.
Genome position (GRCh38, 1-based): chr8:89,943,299, G>T on the plus strand (C>A on the coding strand, the complement: NBN is on the minus strand). VCF-style: chr8-89943299-G-T. GRCh37 (hg19) VCF-style: chr8-90955527-G-T.
Other names: c.1892C>A, p.Ala631Asp (NM_001024688.3); short protein forms A631D, A713D.
Identifiers: ClinVar variation 1056159 (VCV001056159.7), dbSNP rs986903713, ClinGen allele CA371675487.